The following is an entry in ClinVar:

NM_001376.5(DYNC1H1):c.4463G>A (p.Arg1488His)

Gene: DYNC1H1 (dynein cytoplasmic 1 heavy chain 1; plus strand). Cytogenetic location: 14q32.31.
Variant type: single nucleotide variant.
Coding change: c.4463G>A on transcript NM_001376.5 (MANE Select); coding-DNA position 4463, G replaced by A.
Protein change: p.Arg1488His; replaces arginine 1488 with histidine.
Molecular consequence: missense variant.
Genome position (GRCh38, 1-based): chr14:102,001,602, G>A. VCF-style: chr14-102001602-G-A. GRCh37 (hg19) VCF-style: chr14-102467939-G-A.
Other names: short protein forms R1488H.
Identifiers: ClinVar variation 1687444 (VCV001687444.1), dbSNP rs2141286170, ClinGen allele CA391042570.

ClinVar aggregate classification (germline): Uncertain significance (1 of 4 stars; one submission).

Conditions:
Charcot-Marie-Tooth disease axonal type 2O. Also called: CHARCOT-MARIE-TOOTH NEUROPATHY, AXONAL, TYPE 2O; CHARCOT-MARIE-TOOTH DISEASE, AXONAL, AUTOSOMAL DOMINANT, TYPE 2O; Charcot-Marie-Tooth Neuropathy Type 2O; Charcot-Marie-Tooth disease, axonal, type 20. Identifiers: Orphanet 284232, MedGen C3280220, MONDO:0013644, OMIM 614228.

Allele frequency attached by ClinVar (database versions not stated): gnomAD exomes below 0.00001.
gnomAD v4.1: 1 of 1,614,140 alleles (0.000062%); highest among the groups gnomAD compares: Non-Finnish European, 0.000085%; no homozygotes.

Submission:

3billion
Classification: Uncertain significance for Charcot-Marie-Tooth disease axonal type 2O. Last evaluated: 2022-05-22. Review status: criteria provided, single submitter. Criteria: ACMG Guidelines, 2015. Collection method: clinical testing. Allele origin: germline. Affected: yes. Observed: 1 heterozygote.
Comment: The variant is not observed in the gnomAD v2.1.1 dataset. Missense changes are a common disease-causing mechanism. In silico tool predictions suggest damaging effect of the variant on gene or gene product (REVEL: 0.61; 3Cnet: 0.32). Therefore, this variant is classified as uncertain significanceaccording to the recommendation of ACMG/AMP guideline.